The following is an entry in ClinVar:

NM_012301.4(MAGI2):c.2779G>C (p.Glu927Gln)

Gene: MAGI2 (membrane associated guanylate kinase, WW and PDZ domain containing 2; minus strand). Cytogenetic location: 7q21.11.
Variant type: single nucleotide variant.
Coding change: c.2779G>C on transcript NM_012301.4 (MANE Select); coding-DNA position 2779, G replaced by C.
Protein change: p.Glu927Gln; replaces glutamic acid 927 with glutamine.
Molecular consequence: missense variant.
Genome position (GRCh38, 1-based): chr7:78,160,091, C>G on the plus strand (G>C on the coding strand, the complement: MAGI2 is on the minus strand). VCF-style: chr7-78160091-C-G. GRCh37 (hg19) VCF-style: chr7-77789408-C-G.
Other names: c.2737G>C, p.Glu913Gln (NM_001301128.2); c.2779G>C (NM_012301.3); short protein forms E927Q, E913Q.
Identifiers: ClinVar variation 2158139 (VCV002158139.6), dbSNP rs140816436, ClinGen allele CA4313678.

ClinVar aggregate classification (germline): Uncertain significance. Review status: criteria provided, multiple submitters, no conflicts (2 of 4 stars). 3 submissions from 3 submitters: Uncertain significance (3). Last evaluated 2025-03-19.

Conditions:
Nephrotic syndrome 15. Identifiers: MedGen C4539896, MONDO:0033262, OMIM 617609.

Allele frequency attached by ClinVar (database versions not stated): gnomAD 0.00011; ExAC 0.00012; TOPMed 0.00012; 1000 Genomes Project 30x 0.00016; 1000 Genomes Project 0.00020; ESP Exome Variant Server 0.00031.
gnomAD v4.1: 655 of 1,609,696 alleles (0.041%); highest among the groups gnomAD compares: Non-Finnish European, 0.052%; no homozygotes.

Submissions (3):

GeneDx
Classification: Uncertain significance. Last evaluated: 2025-03-19. Review status: criteria provided, single submitter. Criteria: GeneDx Variant Classification Process June 2021. Collection method: clinical testing. Allele origin: germline. Affected: yes.
Comment: In silico analysis supports that this missense variant has a deleterious effect on protein structure/function; Has not been previously published as pathogenic or benign to our knowledge

Fulgent Genetics
Classification: Uncertain significance for Nephrotic syndrome 15. Last evaluated: 2024-04-08. Review status: criteria provided, single submitter. Criteria: ACMG Guidelines, 2015. Collection method: clinical testing. Allele origin: germline.

Labcorp Genetics (formerly Invitae), Labcorp
Classification: Uncertain significance. Last evaluated: 2022-02-10. Review status: criteria provided, single submitter. Criteria: Invitae Variant Classification Sherloc (09022015). Collection method: clinical testing. Allele origin: germline.
Comment: In summary, the available evidence is currently insufficient to determine the role of this variant in disease. Therefore, it has been classified as a Variant of Uncertain Significance. Algorithms developed to predict the effect of missense changes on protein structure and function (SIFT, PolyPhen-2, Align-GVGD) all suggest that this variant is likely to be disruptive. This variant has not been reported in the literature in individuals affected with MAGI2-related conditions. This variant is present in population databases (rs140816436, gnomAD 0.03%). This sequence change replaces glutamic acid, which is acidic and polar, with glutamine, which is neutral and polar, at codon 927 of the MAGI2 protein (p.Glu927Gln).